The following is an entry in ClinVar:

NM_000051.4(ATM):c.6700del (p.Ile2233_Leu2234insTer)

Genes: ATM (ATM serine/threonine kinase; plus strand), C11orf65 (chromosome 11 open reading frame 65; minus strand). Cytogenetic location: 11q22.3.
Variant type: Deletion.
Coding change: c.6700del on transcript NM_000051.4 (MANE Select); coding-DNA position 6700, one base deleted (C; older notation c.6700delC).
Protein change: p.Ile2233_Leu2234insTer.
Molecular consequence: nonsense. On other transcripts: frameshift variant (1), intron variant (2).
Genome position (GRCh38, 1-based): chr11:108,325,437, C deleted; the last of 2 consecutive C bases (chr11:108,325,436-108,325,437); deleting either gives the same sequence. VCF-style (leftmost placement, unchanged base first): chr11-108325435-TC-T. GRCh37 (hg19) VCF-style: chr11-108196162-TC-T.
Other names: c.6700delC, p.Leu2234Terfs (NM_000051.3); c.6700del, p.Ile2233_Leu2234insTer (NM_001351834.2); c.641-16365del (NM_001330368.2); c.*38+9784del (NM_001351110.2).
Identifiers: ClinVar variation 863320 (VCV000863320.9), dbSNP rs2085567158, ClinGen allele CA916080489.
Genomic context (GRCh38, chr11:108,325,435, plus strand): 5'-AGGACAGTGATTTTAGTTTTCAGGAGCCTATCATGGCTCTACGCACAGTCATTTTGGAGA[TC>T]CTGATGGAAAAGGAAATGGACAACTCACAAAGAGAATGTATTAAGGACATTCTCACCAAA-3'

ClinVar aggregate classification (germline): Pathogenic (1 of 4 stars; one submission).

Conditions:
Ataxia-telangiectasia syndrome (AT). Also called: ATAXIA-TELANGIECTASIA, COMPLEMENTATION GROUP A; ATAXIA-TELANGIECTASIA, FRESNO VARIANT; Ataxia-telangiectasia; Ataxia-telangiectasia, complementation group D; AT, COMPLEMENTATION GROUP C; Ataxia-telangiectasia, complementation group E. Identifiers: Orphanet 100, MedGen C0004135, MONDO:0008840, OMIM 208900.

Submission:

Labcorp Genetics (formerly Invitae), Labcorp
Classification: Pathogenic for Ataxia-telangiectasia syndrome. Last evaluated: 2019-11-25. Review status: criteria provided, single submitter. Criteria: Invitae Variant Classification Sherloc (09022015). Collection method: clinical testing. Allele origin: germline.
Comment: This sequence change creates a premature translational stop signal (p.Leu2234*) in the ATM gene. It is expected to result in an absent or disrupted protein product. This variant has not been reported in the literature in individuals with ATM-related conditions. For these reasons, this variant has been classified as Pathogenic. Loss-of-function variants in ATM are known to be pathogenic (PMID: 23807571, 25614872). This variant is not present in population databases (ExAC no frequency).

Literature cited by the submitters: PubMed 23807571; PubMed 25614872.